The following is an entry in ClinVar:

NM_000059.4(BRCA2):c.6260_6261del (p.Arg2087fs)

Gene: BRCA2 (BRCA2 DNA repair associated; plus strand). Cytogenetic location: 13q13.1.
Variant type: Deletion.
Coding change: c.6260_6261del on transcript NM_000059.4 (MANE Select); coding-DNA positions 6260 to 6261, 2 bases deleted (GA; older notation c.6260_6261delGA).
Protein change: p.Arg2087fs; shifts the reading frame from arginine 2087.
Molecular consequence: frameshift variant.
Genome position (GRCh38, 1-based): chr13:32,340,615-32,340,616, GA deleted; deleting any 2 consecutive bases within chr13:32,340,614-32,340,616 gives the same sequence; the c. name uses the placement nearest the transcript's 3' end. VCF-style (leftmost placement, unchanged base first): chr13-32340613-CAG-C. GRCh37 (hg19) VCF-style: chr13-32914750-CAG-C.
Other names: c.6260_6261delGA, p.Arg2087Asnfs (NM_001406719.1, NM_001406720.1); short protein forms R2087fs.
Identifiers: ClinVar variation 2431255 (VCV002431255.1), dbSNP rs2548532889, ClinGen allele CA2580087873.
Genomic context (GRCh38, chr13:32,340,613, plus strand): 5'-TTCCATTTTAGAAAGTTCCTTACACAAAGTTAAGGGAGTGTTAGAGGAATTTGATTTAAT[CAG>C]AACTGAGCATAGTCTTCACTATTCACCTACGTCTAGACAAAATGTATCAAAAATACTTCC-3'

ClinVar aggregate classification (germline): Pathogenic (1 of 4 stars; one submission).

Conditions:
Breast-ovarian cancer, familial, susceptibility to, 2 (BROVCA2). Also called: BRCA2 Hereditary Breast and Ovarian Cancer. Identifiers: Orphanet 145, MedGen C2675520, MONDO:0012933, OMIM 612555. Disease mechanism: loss of function.

Submission:

Myriad Genetics, Inc.
Classification: Pathogenic for Breast-ovarian cancer, familial, susceptibility to, 2. Last evaluated: 2023-01-17. Review status: criteria provided, single submitter. Criteria: Myriad Autosomal Dominant, Autosomal Recessive and X-Linked Classification Criteria (2023). Collection method: clinical testing. Allele origin: unknown.
Comment: This variant is considered pathogenic. This variant creates a frameshift predicted to result in premature protein truncation.